The following is an entry in ClinVar:

ClinVar aggregate classification (germline): Uncertain significance. Review status: criteria provided, multiple submitters, no conflicts (2 of 4 stars). 2 submissions from 2 submitters: Uncertain significance (2). Last evaluated 2024-06-26.

Conditions:
Early-infantile DEE. Also called: Early infantile epileptic encephalopathy with suppression bursts; Early infantile epileptic encephalopathy; Ohtahara syndrome. Identifiers: Orphanet 1934, MedGen C0393706, MONDO:0800491.
Inborn genetic diseases. Identifiers: MedGen C0950123, MeSH D030342.

Allele frequency attached by ClinVar (database versions not stated): gnomAD exomes 0.00001.
gnomAD v4.1: 3 of 1,613,750 alleles (0.00019%); highest among the groups gnomAD compares: Admixed American, 0.005%; no homozygotes.

Submissions (2):

Labcorp Genetics (formerly Invitae), Labcorp
Classification: Uncertain significance for Early-infantile DEE. Last evaluated: 2024-06-26. Review status: criteria provided, single submitter. Criteria: Invitae Variant Classification Sherloc (09022015). Collection method: clinical testing. Allele origin: germline.
Comment: This sequence change replaces glycine, which is neutral and non-polar, with serine, which is neutral and polar, at codon 1949 of the SCN1A protein (p.Gly1949Ser). This variant is present in population databases (no rsID available, gnomAD 0.006%). This variant has not been reported in the literature in individuals affected with SCN1A-related conditions. Advanced modeling of protein sequence and biophysical properties (such as structural, functional, and spatial information, amino acid conservation, physicochemical variation, residue mobility, and thermodynamic stability) performed at Invitae indicates that this missense variant is not expected to disrupt SCN1A protein function with a negative predictive value of 95%. In summary, the available evidence is currently insufficient to determine the role of this variant in disease. Therefore, it has been classified as a Variant of Uncertain Significance.

Ambry Genetics
Classification: Uncertain significance for Inborn genetic diseases. Last evaluated: 2024-02-06. Review status: criteria provided, single submitter. Criteria: Ambry Variant Classification Scheme 2023. Collection method: clinical testing. Allele origin: germline.

NM_001165963.4(SCN1A):c.5845G>A (p.Gly1949Ser)

Genes: SCN1A (sodium voltage-gated channel alpha subunit 1; minus strand), LOC102724058 (uncharacterized LOC102724058; plus strand). Cytogenetic location: 2q24.3.
Variant type: single nucleotide variant.
Coding change: c.5845G>A on transcript NM_001165963.4 (MANE Select); coding-DNA position 5845, G replaced by A.
Protein change: p.Gly1949Ser; replaces glycine 1949 with serine.
Molecular consequence: missense variant. On other transcripts: non-coding transcript variant (1).
Genome position (GRCh38, 1-based): chr2:165,991,430, C>T on the plus strand (G>A on the coding strand, the complement: SCN1A is on the minus strand). VCF-style: chr2-165991430-C-T. GRCh37 (hg19) VCF-style: chr2-166847940-C-T.
Other names: c.5761G>A, p.Gly1921Ser (NM_001165964.3, NM_001353957.2, NM_001353958.2); c.5845G>A, p.Gly1949Ser (NM_001202435.3, NM_001353948.2); c.5812G>A, p.Gly1938Ser (NM_001353949.2, NM_001353950.2, NM_001353951.2 and 2 more transcripts); c.5809G>A, p.Gly1937Ser (NM_001353954.2, NM_001353955.2); c.5758G>A, p.Gly1920Ser (NM_001353960.2); c.3403G>A, p.Gly1135Ser (NM_001353961.2); short protein forms G1920S, G1921S, G1937S, G1938S, G1135S, G1949S.
Identifiers: ClinVar variation 3158517 (VCV003158517.3), dbSNP rs1216022727, ClinGen allele CA349063549.